The following is an entry in ClinVar:

ClinVar aggregate classification (germline): Likely benign (0 of 4 stars; one submission).

Conditions:
PHIP-related disorder. Also called: PHIP-related condition; PHIP-related disorders.

Submission:

PreventionGenetics, part of Exact Sciences
Classification: Likely benign for PHIP-related condition. Last evaluated: 2024-09-20. Review status: no assertion criteria provided. Collection method: clinical testing. Allele origin: germline.
Comment: This variant is classified as likely benign based on ACMG/AMP sequence variant interpretation guidelines (Richards et al. 2015 PMID: 25741868, with internal and published modifications).

NM_017934.7(PHIP):c.1236-3C>T

Gene: PHIP (PHIP subunit of CUL4-Ring ligase complex; minus strand). Cytogenetic location: 6q14.1.
Variant type: single nucleotide variant.
Coding change: c.1236-3C>T on transcript NM_017934.7 (MANE Select); 3 bases into the intron before coding-DNA position 1236, C replaced by T.
Molecular consequence: intron variant.
Genome position (GRCh38, 1-based): chr6:79,015,786, G>A on the plus strand (C>T on the coding strand, the complement: PHIP is on the minus strand). VCF-style: chr6-79015786-G-A. GRCh37 (hg19) VCF-style: chr6-79725503-G-A.
Identifiers: ClinVar variation 3345817 (VCV003345817.1).